The following is an entry in ClinVar:

NM_182961.4(SYNE1):c.25159G>T (p.Val8387Leu)

Gene: SYNE1 (spectrin repeat containing nuclear envelope protein 1; minus strand). Cytogenetic location: 6q25.2.
Variant type: single nucleotide variant.
Coding change: c.25159G>T on transcript NM_182961.4 (MANE Select); coding-DNA position 25159, G replaced by T.
Protein change: p.Val8387Leu; replaces valine 8387 with leucine.
Molecular consequence: missense variant.
Genome position (GRCh38, 1-based): chr6:152,141,290, C>A on the plus strand (G>T on the coding strand, the complement: SYNE1 is on the minus strand). VCF-style: chr6-152141290-C-A. GRCh37 (hg19) VCF-style: chr6-152462425-C-A.
Other names: V572L; c.1693G>T, p.Val565Leu (NM_001347702.2); c.25015G>T, p.Val8339Leu (NM_033071.5); c.1765G>T, p.Val589Leu (NM_001347701.2); short protein forms V8339L, V8387L, V565L, V589L.
Identifiers: ClinVar variation 2333 (VCV000002333.8), dbSNP rs119103247, ClinGen allele CA115486.

ClinVar aggregate classification (germline): Uncertain significance. Review status: criteria provided, single submitter (1 of 4 stars). 2 submissions from 2 submitters: Uncertain significance (1). 1 of the submissions does not count toward it. Last evaluated 2022-07-25.

Conditions:
Emery-Dreifuss muscular dystrophy 4, autosomal dominant (EDMD4). Also called: EMERY-DREIFUSS MUSCULAR DYSTROPHY 4 WITH VARIABLE FEATURES. Identifiers: Orphanet 261, MedGen C2751807, MONDO:0013071, OMIM 612998.
Autosomal recessive ataxia, Beauce type. Also called: SYNE1-Related Autosomal Recessive Cerebellar Ataxia; Spinocerebellar ataxia, autosomal recessive 8; ATAXIA, RECESSIVE, OF BEAUCE; SYNE1 Deficiency. Identifiers: Orphanet 88644, MedGen C1853116, MONDO:0012549, OMIM 610743.

Submissions (2):

Labcorp Genetics (formerly Invitae), Labcorp
Classification: Uncertain significance for Emery-Dreifuss muscular dystrophy 4, autosomal dominant; Autosomal recessive ataxia, Beauce type. Last evaluated: 2022-07-25. Review status: criteria provided, single submitter. Criteria: Invitae Variant Classification Sherloc (09022015). Collection method: clinical testing. Allele origin: germline.
Comment: This sequence change replaces valine, which is neutral and non-polar, with leucine, which is neutral and non-polar, at codon 8339 of the SYNE1 protein (p.Val8339Leu). This variant is not present in population databases (gnomAD no frequency). This missense change has been observed in individual(s) with Emery-Dreifuss muscular dystrophy (PMID: 17761684). This variant is also known as p.V572L, p.V8387L. ClinVar contains an entry for this variant (Variation ID: 2333). Algorithms developed to predict the effect of missense changes on protein structure and function are either unavailable or do not agree on the potential impact of this missense change (SIFT: "Deleterious"; PolyPhen-2: "Benign"; Align-GVGD: "Class C0"). Experimental studies have shown that this missense change affects SYNE1 function (PMID: 17761684). In summary, the available evidence is currently insufficient to determine the role of this variant in disease. Therefore, it has been classified as a Variant of Uncertain Significance.

OMIM
Classification: Uncertain significance for RECLASSIFIED - VARIANT OF UNKNOWN SIGNIFICANCE. Last evaluated: 2007-12-01. Review status: no assertion criteria provided. Collection method: literature only. Allele origin: germline. Not counted in ClinVar's aggregate classification.

Literature cited by the submitters: PubMed 17761684 (cited by Labcorp Genetics (formerly Invitae), Labcorp and OMIM).